The following is an entry in ClinVar:

ClinVar aggregate classification (germline): Uncertain significance (1 of 4 stars; one submission).

Conditions:
Epilepsy, familial focal, with variable foci 3 (FFEVF3). Identifiers: MedGen C4310708, MONDO:0014925, OMIM 617118.

Submission:

Labcorp Genetics (formerly Invitae), Labcorp
Classification: Uncertain significance for Epilepsy, familial focal, with variable foci 3. Last evaluated: 2023-11-27. Review status: criteria provided, single submitter. Criteria: Invitae Variant Classification Sherloc (09022015). Collection method: clinical testing. Allele origin: germline.
Comment: This sequence change falls in intron 2 of the NPRL3 gene. It does not directly change the encoded amino acid sequence of the NPRL3 protein. It affects a nucleotide within the consensus splice site. This variant is not present in population databases (gnomAD no frequency). This variant has not been reported in the literature in individuals affected with NPRL3-related conditions. Variants that disrupt the consensus splice site are a relatively common cause of aberrant splicing (PMID: 17576681, 9536098). Algorithms developed to predict the effect of sequence changes on RNA splicing suggest that this variant may disrupt the consensus splice site. In summary, the available evidence is currently insufficient to determine the role of this variant in disease. Therefore, it has been classified as a Variant of Uncertain Significance.

Literature cited by the submitters: PubMed 17576681; PubMed 9536098.

NM_001077350.3(NPRL3):c.118+6T>C

Genes: HBA-LCR (alpha-globin locus control region; plus strand), NPRL3 (NPR3 like, GATOR1 complex subunit; minus strand). Cytogenetic location: 16p13.3.
Variant type: single nucleotide variant.
Coding change: c.118+6T>C on transcript NM_001077350.3 (MANE Select); 6 bases into the intron after coding-DNA position 118, T replaced by C.
Molecular consequence: intron variant.
Genome position (GRCh38, 1-based): chr16:138,144, A>G on the plus strand (T>C on the coding strand, the complement: NPRL3 is on the minus strand). VCF-style: chr16-138144-A-G. GRCh37 (hg19) VCF-style: chr16-188143-A-G.
Other names: c.-254+6T>C (NM_001243247.2); c.118+6T>C (NM_001243248.2, NM_001243249.2); c.-215+6T>C (NM_001039476.3).
Identifiers: ClinVar variation 2756861 (VCV002756861.3), dbSNP rs754783319, ClinGen allele CA2575852494.